The following is an entry in ClinVar:

ClinVar aggregate classification (germline): Uncertain significance. Review status: criteria provided, multiple submitters, no conflicts (2 of 4 stars). 2 submissions from 2 submitters: Uncertain significance (2). Last evaluated 2026-08-31.

Conditions:
Fanconi anemia (FA). Also called: Fanconi's anemia. Identifiers: Orphanet 84, MedGen C0015625, MeSH D005199, MONDO:0019391.
Inborn genetic diseases. Identifiers: MedGen C0950123, MeSH D030342.

Submissions (2):

Ambry Genetics
Classification: Uncertain significance for Inborn genetic diseases. Last evaluated: 2026-08-31. Review status: criteria provided, single submitter. Criteria: Ambry Variant Classification Scheme 2023. Collection method: clinical testing. Allele origin: germline.
Comment: The p.K1640N variant (also known as c.4920G>T), located in coding exon 20 of the FANCM gene, results from a G to T substitution at nucleotide position 4920. The lysine at codon 1640 is replaced by asparagine, an amino acid with similar properties. This amino acid position is conserved. In addition, this alteration is predicted to be tolerated by in silico analysis. Based on the available evidence, the clinical significance of this variant remains unclear.

Labcorp Genetics (formerly Invitae), Labcorp
Classification: Uncertain significance for Fanconi anemia. Last evaluated: 2024-10-24. Review status: criteria provided, single submitter. Criteria: Invitae Variant Classification Sherloc (09022015). Collection method: clinical testing. Allele origin: germline.
Comment: This sequence change replaces lysine, which is basic and polar, with asparagine, which is neutral and polar, at codon 1640 of the FANCM protein (p.Lys1640Asn). This variant is not present in population databases (gnomAD no frequency). This variant has not been reported in the literature in individuals affected with FANCM-related conditions. An algorithm developed to predict the effect of missense changes on protein structure and function (PolyPhen-2) suggests that this variant is likely to be tolerated. In summary, the available evidence is currently insufficient to determine the role of this variant in disease. Therefore, it has been classified as a Variant of Uncertain Significance.

NM_020937.4(FANCM):c.4920G>T (p.Lys1640Asn)

Gene: FANCM (FA complementation group M; plus strand). Cytogenetic location: 14q21.2.
Variant type: single nucleotide variant.
Coding change: c.4920G>T on transcript NM_020937.4 (MANE Select); coding-DNA position 4920, G replaced by T.
Protein change: p.Lys1640Asn; replaces lysine 1640 with asparagine.
Molecular consequence: missense variant.
Genome position (GRCh38, 1-based): chr14:45,188,942, G>T. VCF-style: chr14-45188942-G-T. GRCh37 (hg19) VCF-style: chr14-45658145-G-T.
Other names: c.4842G>T, p.Lys1614Asn (NM_001308133.2); short protein forms K1614N, K1640N.
Identifiers: ClinVar variation 3623050 (VCV003623050.3).
Genomic context (GRCh38, chr14:45,188,942, plus strand): 5'-AGAAGAAGTTTGTGTTGATTTTAACTTAATAACTGATGATTGCTTTGCAAATAGTAAAAA[G>T]TATAAAACTCGACGTGCAGTAATGCTAAAAGAAATGATGGAACAAAATTGTGCACATTCA-3'
Protein context (NP_065988.1, residues 1630-1650): ITDDCFANSK[Lys1640Asn]YKTRRAVMLK